The following is an entry in ClinVar:

NM_004082.5(DCTN1):c.1103C>G (p.Ala368Gly)

Gene: DCTN1 (dynactin subunit 1; minus strand). Cytogenetic location: 2p13.1.
Variant type: single nucleotide variant.
Coding change: c.1103C>G on transcript NM_004082.5 (MANE Select); coding-DNA position 1103, C replaced by G.
Protein change: p.Ala368Gly; replaces alanine 368 with glycine.
Molecular consequence: missense variant. On other transcripts: non-coding transcript variant (1).
Genome position (GRCh38, 1-based): chr2:74,370,490, G>C on the plus strand (C>G on the coding strand, the complement: DCTN1 is on the minus strand). VCF-style: chr2-74370490-G-C. GRCh37 (hg19) VCF-style: chr2-74597617-G-C.
Other names: c.1043C>G, p.Ala348Gly (NM_001135040.3); c.701C>G, p.Ala234Gly (NM_001135041.3, NM_023019.4); c.992C>G, p.Ala331Gly (NM_001190836.2); c.1082C>G, p.Ala361Gly (NM_001190837.2); c.1052C>G, p.Ala351Gly (NM_001378991.1); c.1034C>G, p.Ala345Gly (NM_001378992.1); short protein forms A234G, A331G, A345G, A348G, A351G, A361G, A368G.
Identifiers: ClinVar variation 3603187 (VCV003603187.1).
Genomic context (GRCh38, chr2:74,370,490, plus strand): 5'-AGAGTAAGCATCAGAGGCAAGCACTGAAGACCCTACCTCACCAGGGCATCCTTCAGGCGG[G>C]CATTCTGCTCCTCAAGCTGCTTGAGCTGATAACTGGATGCAGCGCCATCTGAGCCTGGAG-3'
Protein context (NP_004073.2, residues 358-378): YQLKQLEEQN[Ala368Gly]RLKDALVRMR

ClinVar aggregate classification (germline): Uncertain significance (1 of 4 stars; one submission).

Submission:

GeneDx
Classification: Uncertain significance. Last evaluated: 2024-08-10. Review status: criteria provided, single submitter. Criteria: GeneDx Variant Classification Process June 2021. Collection method: clinical testing. Allele origin: germline. Affected: yes.
Comment: Not observed at significant frequency in large population cohorts (gnomAD); In silico analysis indicates that this missense variant does not alter protein structure/function; Has not been previously published as pathogenic or benign to our knowledge